The following is an entry in ClinVar:

NM_015662.3(IFT172):c.649C>T (p.Arg217Trp)

Gene: IFT172 (intraflagellar transport 172; minus strand). Cytogenetic location: 2p23.3.
Variant type: single nucleotide variant.
Coding change: c.649C>T on transcript NM_015662.3 (MANE Select); coding-DNA position 649, C replaced by T.
Protein change: p.Arg217Trp; replaces arginine 217 with tryptophan.
Molecular consequence: missense variant.
Genome position (GRCh38, 1-based): chr2:27,481,182, G>A on the plus strand (C>T on the coding strand, the complement: IFT172 is on the minus strand). VCF-style: chr2-27481182-G-A. GRCh37 (hg19) VCF-style: chr2-27704049-G-A.
Other names: short protein forms R217W.
Identifiers: ClinVar variation 1037230 (VCV001037230.13), dbSNP rs773661262, ClinGen allele CA1580902.
Genomic context (GRCh38, chr2:27,481,182, plus strand): 5'-CACGGCTATAATCAAAAGTTTGTAGCATGTGACCTTCTTTTCCATAGGCTACAATTTTCC[G>A]ATCACAGCCTGCAGCCACGATGCTATTGGTTGCCCATGCCAAGGCATAGGGTGGACACGG-3'
Protein context (NP_056477.1, residues 207-227): TNSIVAAGCD[Arg217Trp]KIVAYGKEGH

ClinVar aggregate classification (germline): Uncertain significance. Review status: criteria provided, multiple submitters, no conflicts (2 of 4 stars). 3 submissions from 3 submitters: Uncertain significance (3). Last evaluated 2025-05-02.

Conditions:
Retinitis pigmentosa 71 (RP71). Identifiers: Orphanet 791, MedGen C4225342, MONDO:0014618, OMIM 616394.
Short-rib thoracic dysplasia 10 with or without polydactyly (SRTD10). Identifiers: Orphanet 474, MedGen C3810175, MONDO:0014284, OMIM 615630.
IFT172-related disorder. Also called: IFT172-related condition; IFT172-related disorders.

Allele frequency attached by ClinVar (database versions not stated): ExAC 0.00001; gnomAD 0.00001; TOPMed 0.00001; gnomAD exomes 0.00003.
gnomAD v4.1: 45 of 1,612,954 alleles (0.0028%); highest among the groups gnomAD compares: East Asian, 0.0089%; no homozygotes.

Submissions (3):

PreventionGenetics, part of Exact Sciences
Classification: Uncertain significance for IFT172-related condition. Last evaluated: 2025-05-02. Review status: criteria provided, single submitter. Criteria: ACMG Guidelines, 2015. Collection method: clinical testing. Allele origin: germline.
Comment: The IFT172 c.649C>T variant is predicted to result in the amino acid substitution p.Arg217Trp. To our knowledge, this variant has not been reported in the literature. This variant is reported in 0.016% of alleles in individuals of East Asian descent in gnomAD. At this time, the clinical significance of this variant is uncertain due to the absence of conclusive functional and genetic evidence.

Labcorp Genetics (formerly Invitae), Labcorp
Classification: Uncertain significance for Retinitis pigmentosa 71; Short-rib thoracic dysplasia 10 with or without polydactyly. Last evaluated: 2022-06-11. Review status: criteria provided, single submitter. Criteria: Invitae Variant Classification Sherloc (09022015). Collection method: clinical testing. Allele origin: germline.
Comment: This sequence change replaces arginine, which is basic and polar, with tryptophan, which is neutral and slightly polar, at codon 217 of the IFT172 protein (p.Arg217Trp). This variant is present in population databases (rs773661262, gnomAD 0.01%). This variant has not been reported in the literature in individuals affected with IFT172-related conditions. ClinVar contains an entry for this variant (Variation ID: 1037230). Algorithms developed to predict the effect of missense changes on protein structure and function are either unavailable or do not agree on the potential impact of this missense change (SIFT: "Deleterious"; PolyPhen-2: "Possibly Damaging"; Align-GVGD: "Class C0"). In summary, the available evidence is currently insufficient to determine the role of this variant in disease. Therefore, it has been classified as a Variant of Uncertain Significance.

Genetic Services Laboratory, University of Chicago
Classification: Uncertain significance. Last evaluated: 2019-08-26. Review status: criteria provided, single submitter. Criteria: ACMG Guidelines, 2015. Collection method: clinical testing. Allele origin: germline. Affected: no.